The following is an entry in ClinVar:

ClinVar aggregate classification (germline): Conflicting classifications of pathogenicity. Review status: criteria provided, conflicting classifications (1 of 4 stars). 5 submissions from 5 submitters: Uncertain significance (1); Likely benign (4). Last evaluated 2026-05-01.

Conditions:
CHARGE syndrome (CHARGE). Also called: Hittner Hirsch Kreh syndrome; Coloboma, heart anomaly, choanal atresia, retardation, genital and ear anomalies; CHARGE association; Hall-Hittner syndrome; CHARGE ASSOCIATION--COLOBOMA, HEART ANOMALY, CHOANAL ATRESIA, RETARDATION, GENITAL AND EAR ANOMALIES. Identifiers: Orphanet 138, MedGen C0265354, MONDO:0008965.
Hypogonadotropic hypogonadism 5 with or without anosmia (KAL5). Also called: CHD7-Related GnRH Deficiency (Kallmann Syndrome 5); HYPOGONADOTROPIC HYPOGONADISM 5 WITH ANOSMIA; HYPOGONADOTROPHIC HYPOGONADISM 5 WITHOUT ANOSMIA. Identifiers: Orphanet 478, MedGen C3552553, MONDO:0012880, OMIM 612370. Disease mechanism: loss of function.

Allele frequency attached by ClinVar (database versions not stated): TOPMed 0.00003; gnomAD exomes 0.00004 and 0.00008; gnomAD 0.00006 and 0.00007; ESP Exome Variant Server 0.00008; ExAC 0.00011.
gnomAD v4.1: 73 of 1,607,180 alleles (0.0045%); highest among the groups gnomAD compares: Non-Finnish European, 0.0053%; no homozygotes.

Submissions (5):

CeGaT Center for Human Genetics Tuebingen
Classification: Likely benign. Last evaluated: 2026-05-01. Review status: criteria provided, single submitter. Criteria: CeGaT Center For Human Genetics Tuebingen Variant Classification Criteria Version 2. Collection method: clinical testing. Allele origin: germline. Affected: yes. Observed: 1 variant allele.
Comment: CHD7: BP4, BP7

Labcorp Genetics (formerly Invitae), Labcorp
Classification: Likely benign for CHARGE syndrome. Last evaluated: 2026-01-28. Review status: criteria provided, single submitter. Criteria: Invitae Variant Classification Sherloc (09022015). Collection method: clinical testing. Allele origin: germline.

Blueprint Genetics
Classification: Likely benign. Last evaluated: 2024-10-31. Review status: criteria provided, single submitter. Criteria: ACMG Guidelines, 2015. Collection method: clinical testing. Allele origin: germline.

Illumina Laboratory Services, Illumina
Classification: Uncertain significance for Kallmann Syndrome 5. Last evaluated: 2018-01-13. Review status: criteria provided, single submitter. Criteria: ICSL Variant Classification Criteria 13 December 2019. Collection method: clinical testing. Allele origin: germline.

PreventionGenetics, part of Exact Sciences
Classification: Likely benign. Review status: criteria provided, single submitter. Criteria: ACMG Guidelines, 2015. Collection method: clinical testing. Allele origin: germline.

NM_017780.4(CHD7):c.8322C>G (p.Gly2774=)

Gene: CHD7 (chromodomain helicase DNA binding protein 7; plus strand). Cytogenetic location: 8q12.2.
Variant type: single nucleotide variant.
Coding change: c.8322C>G on transcript NM_017780.4 (MANE Select); coding-DNA position 8322, C replaced by G.
Protein change: p.Gly2774=; no amino-acid change (glycine 2774 retained).
Molecular consequence: synonymous variant.
Genome position (GRCh38, 1-based): chr8:60,865,261, C>G. VCF-style: chr8-60865261-C-G. GRCh37 (hg19) VCF-style: chr8-61777820-C-G.
Other names: c.2175C>G, p.Gly725= (NM_001316690.1).
Identifiers: ClinVar variation 260916 (VCV000260916.19), dbSNP rs376063472, ClinGen allele CA4760988.